The following is an entry in ClinVar:

ClinVar aggregate classification (germline): Benign (1 of 4 stars; one submission).

Allele frequency attached by ClinVar (database versions not stated): 1000 Genomes Project 0.51038; 1000 Genomes Project 30x 0.51296; TOPMed 0.58565; gnomAD 0.59309 and 0.60161.
gnomAD v4.1: 90,064 of 152,092 alleles (59%); highest among the groups gnomAD compares: African/African-American, 68%; 27,215 homozygotes.

Submission:

GeneDx
Classification: Benign. Last evaluated: 2018-06-19. Review status: criteria provided, single submitter. Criteria: GeneDx Variant Classification (06012015). Collection method: clinical testing. Allele origin: germline. Affected: yes.
Comment: This variant is considered likely benign or benign based on one or more of the following criteria: it is a conservative change, it occurs at a poorly conserved position in the protein, it is predicted to be benign by multiple in silico algorithms, and/or has population frequency not consistent with disease.

NM_000350.3(ABCA4):c.5313-193A>G

Gene: ABCA4 (ATP binding cassette subfamily A member 4; minus strand). Cytogenetic location: 1p22.1.
Variant type: single nucleotide variant.
Coding change: c.5313-193A>G on transcript NM_000350.3 (MANE Select); 193 bases into the intron before coding-DNA position 5313, A replaced by G.
Molecular consequence: intron variant.
Genome position (GRCh38, 1-based): chr1:94,014,883, T>C on the plus strand (A>G on the coding strand, the complement: ABCA4 is on the minus strand). VCF-style: chr1-94014883-T-C. GRCh37 (hg19) VCF-style: chr1-94480439-T-C.
Identifiers: ClinVar variation 678761 (VCV000678761.1), dbSNP rs2275034, ClinGen allele CA15106368.
Genomic context (GRCh38, chr1:94,014,883, plus strand): 5'-GAGATACTCCATTTGTTGGTCTCTGTGCCTCAACTTTAAATGGAGATAATGATGCCTGCC[T>C]TGACCACTTCATGGGGTTTTGTGAGGAGCAAATGGGCTGCTAGCTGTGTATATACTCTGT-3'